The following is an entry in ClinVar:

NM_002519.3(NPAT):c.2590A>G (p.Asn864Asp)

Gene: NPAT (nuclear protein, coactivator of histone transcription; minus strand). Cytogenetic location: 11q22.3.
Variant type: single nucleotide variant.
Coding change: c.2590A>G on transcript NM_002519.3 (MANE Select); coding-DNA position 2590, A replaced by G.
Protein change: p.Asn864Asp; replaces asparagine 864 with aspartic acid.
Molecular consequence: missense variant.
Genome position (GRCh38, 1-based): chr11:108,172,394, T>C on the plus strand (A>G on the coding strand, the complement: NPAT is on the minus strand). VCF-style: chr11-108172394-T-C. GRCh37 (hg19) VCF-style: chr11-108043121-T-C.
Other names: c.2590A>G, p.Asn864Asp (NM_001321307.1); short protein forms N864D.
Identifiers: ClinVar variation 2496668 (VCV002496668.2), dbSNP rs769402108, ClinGen allele CA228383429.

ClinVar aggregate classification (germline): Uncertain significance (1 of 4 stars; one submission).

Allele frequency attached by ClinVar (database versions not stated): TOPMed 0.00002; gnomAD 0.00003; gnomAD exomes 0.00005.
gnomAD v4.1: 79 of 1,614,118 alleles (0.0049%); highest among the groups gnomAD compares: Non-Finnish European, 0.0063%; no homozygotes.

Submission:

Ambry Genetics
Classification: Uncertain significance. Last evaluated: 2023-03-03. Review status: criteria provided, single submitter. Criteria: Ambry Variant Classification Scheme 2023. Collection method: clinical testing. Allele origin: germline.
Comment: The p.N864D variant (also known as c.2590A>G), located in coding exon 13 of the NPAT gene, results from an A to G substitution at nucleotide position 2590. The asparagine at codon 864 is replaced by aspartic acid, an amino acid with highly similar properties. This amino acid position is conserved. In addition, this alteration is predicted to be tolerated by in silico analysis. Since supporting evidence is limited at this time, the clinical significance of this alteration remains unclear.